The following is an entry in ClinVar:

ClinVar aggregate classification (germline): Uncertain significance. Review status: criteria provided, multiple submitters, no conflicts (2 of 4 stars). 3 submissions from 3 submitters: Uncertain significance (2). 1 of the submissions does not count toward it. Last evaluated 2024-03-28.

Conditions:
COL18A1-related disorder. Also called: COL18A1-related disorders; COL18A1-related condition.

Allele frequency attached by ClinVar (database versions not stated): gnomAD exomes 0.00009; gnomAD 0.00010; TOPMed 0.00012.
gnomAD v4.1: 315 of 1,543,386 alleles (0.02%); highest among the groups gnomAD compares: Non-Finnish European, 0.025%; no homozygotes.

Submissions (3):

Blueprint Genetics
Classification: Uncertain significance. Last evaluated: 2024-03-28. Review status: criteria provided, single submitter. Criteria: ACMG Guidelines, 2015. Collection method: clinical testing. Allele origin: germline.

Labcorp Genetics (formerly Invitae), Labcorp
Classification: Uncertain significance. Last evaluated: 2022-10-31. Review status: criteria provided, single submitter. Criteria: Invitae Variant Classification Sherloc (09022015). Collection method: clinical testing. Allele origin: germline.
Comment: This sequence change replaces aspartic acid, which is acidic and polar, with asparagine, which is neutral and polar, at codon 1096 of the COL18A1 protein (p.Asp1096Asn). This variant is present in population databases (rs775390699, gnomAD 0.01%). This variant has not been reported in the literature in individuals affected with COL18A1-related conditions. ClinVar contains an entry for this variant (Variation ID: 1006394). Experimental studies and prediction algorithms are not available or were not evaluated, and the functional significance of this variant is currently unknown. In summary, the available evidence is currently insufficient to determine the role of this variant in disease. Therefore, it has been classified as a Variant of Uncertain Significance.

PreventionGenetics, part of Exact Sciences
Classification: Uncertain significance for COL18A1-related condition. Last evaluated: 2024-09-18. Review status: no assertion criteria provided. Collection method: clinical testing. Allele origin: germline. Not counted in ClinVar's aggregate classification.
Comment: The COL18A1 c.3826G>A variant is predicted to result in the amino acid substitution p.Asp1276Asn. To our knowledge, this variant has not been reported in the literature. This variant is reported in 0.015% of alleles in individuals of European (Non-Finnish) descent in gnomAD. At this time, the clinical significance of this variant is uncertain due to the absence of conclusive functional and genetic evidence.

NM_001379500.1(COL18A1):c.3295G>A (p.Asp1099Asn)

Genes: COL18A1 (collagen type XVIII alpha 1 chain; plus strand), SLC19A1 (solute carrier family 19 member 1; minus strand). Cytogenetic location: 21q22.3.
Variant type: single nucleotide variant.
Coding change: c.3295G>A on transcript NM_001379500.1 (MANE Select); coding-DNA position 3295, G replaced by A.
Protein change: p.Asp1099Asn; replaces aspartic acid 1099 with asparagine.
Molecular consequence: missense variant.
Genome position (GRCh38, 1-based): chr21:45,509,401, G>A. VCF-style: chr21-45509401-G-A. GRCh37 (hg19) VCF-style: chr21-46929315-G-A.
Other names: c.3826G>A (NM_030582.3); c.3826G>A, p.Asp1276Asn (NM_030582.4); c.4531G>A, p.Asp1511Asn (NM_130444.3); short protein forms D1099N, D1276N, D1511N.
Identifiers: ClinVar variation 1006394 (VCV001006394.6), dbSNP rs775390699, ClinGen allele CA10067844.